The following is an entry in ClinVar:

ClinVar aggregate classification (germline): Uncertain significance (1 of 4 stars; one submission).

Allele frequency attached by ClinVar (database versions not stated): gnomAD 0.00001; TOPMed 0.00001; ExAC 0.00002; gnomAD exomes 0.00002 and 0.00004.
gnomAD v4.1: 10 of 1,614,038 alleles (0.00062%); highest among the groups gnomAD compares: Admixed American, 0.015%; no homozygotes.

Submission:

Labcorp Genetics (formerly Invitae), Labcorp
Classification: Uncertain significance. Last evaluated: 2022-10-19. Review status: criteria provided, single submitter. Criteria: Invitae Variant Classification Sherloc (09022015). Collection method: clinical testing. Allele origin: germline.
Comment: This sequence change replaces methionine, which is neutral and non-polar, with threonine, which is neutral and polar, at codon 606 of the RUSC2 protein (p.Met606Thr). This variant is present in population databases (rs760524309, gnomAD 0.02%). This variant has not been reported in the literature in individuals affected with RUSC2-related conditions. ClinVar contains an entry for this variant (Variation ID: 1399812). Algorithms developed to predict the effect of missense changes on protein structure and function (SIFT, PolyPhen-2, Align-GVGD) all suggest that this variant is likely to be tolerated. In summary, the available evidence is currently insufficient to determine the role of this variant in disease. Therefore, it has been classified as a Variant of Uncertain Significance.

NM_014806.5(RUSC2):c.1817T>C (p.Met606Thr)

Gene: RUSC2 (RUN and SH3 domain containing 2; plus strand). Cytogenetic location: 9p13.3.
Variant type: single nucleotide variant.
Coding change: c.1817T>C on transcript NM_014806.5 (MANE Select); coding-DNA position 1817, T replaced by C.
Protein change: p.Met606Thr; replaces methionine 606 with threonine.
Molecular consequence: missense variant. On other transcripts: intron variant (1).
Genome position (GRCh38, 1-based): chr9:35,548,338, T>C. VCF-style: chr9-35548338-T-C. GRCh37 (hg19) VCF-style: chr9-35548335-T-C.
Other names: c.1817T>C, p.Met606Thr (NM_001135999.2); c.-620-6722T>C (NM_001330740.2); short protein forms M606T.
Identifiers: ClinVar variation 1399812 (VCV001399812.5), dbSNP rs760524309, ClinGen allele CA5043737.
Genomic context (GRCh38, chr9:35,548,338, plus strand): 5'-CACTGGATGAGGGCACTTGCTGTAGCCATAGCCTGCCACCCATGCCTTTGGGGCCAGGCA[T>C]GGACCTACTTGGCCCAGACCCAAGTCCACCCTGGTCCACCCAGGTCTGTCAGGGACCCCA-3'
Protein context (NP_055621.2, residues 596-616): SLPPMPLGPG[Met606Thr]DLLGPDPSPP